The following is an entry in ClinVar:

ClinVar aggregate classification (germline): Uncertain significance (1 of 4 stars; one submission).

Conditions:
Developmental and epileptic encephalopathy. Identifiers: MedGen C5779964, MONDO:0100620.

Allele frequency attached by ClinVar (database versions not stated): gnomAD 0.00002 and 0.00003; TOPMed 0.00002; gnomAD exomes 0.00003 and 0.00005; ExAC 0.00007.
gnomAD v4.1: 53 of 1,613,968 alleles (0.0033%); highest among the groups gnomAD compares: East Asian, 0.1%; no homozygotes.

Submission:

Labcorp Genetics (formerly Invitae), Labcorp
Classification: Uncertain significance for Early-infantile DEE. Last evaluated: 2022-08-31. Review status: criteria provided, single submitter. Criteria: Invitae Variant Classification Sherloc (09022015). Collection method: clinical testing. Allele origin: germline.
Comment: This sequence change replaces lysine, which is basic and polar, with glutamic acid, which is acidic and polar, at codon 699 of the CACNA2D2 protein (p.Lys699Glu). This variant is present in population databases (rs765505578, gnomAD 0.09%). This variant has not been reported in the literature in individuals affected with CACNA2D2-related conditions. ClinVar contains an entry for this variant (Variation ID: 948608). Algorithms developed to predict the effect of missense changes on protein structure and function (SIFT, PolyPhen-2, Align-GVGD) all suggest that this variant is likely to be tolerated. In summary, the available evidence is currently insufficient to determine the role of this variant in disease. Therefore, it has been classified as a Variant of Uncertain Significance.

NM_006030.4(CACNA2D2):c.2095A>G (p.Lys699Glu)

Genes: CACNA2D2 (calcium voltage-gated channel auxiliary subunit alpha2delta 2; minus strand), LOC101928965 (uncharacterized LOC101928965; plus strand), LOC127898564 (CYB561D2-LOC101928965; plus strand). Cytogenetic location: 3p21.31.
Variant type: single nucleotide variant.
Coding change: c.2095A>G on transcript NM_006030.4 (MANE Select); coding-DNA position 2095, A replaced by G.
Protein change: p.Lys699Glu; replaces lysine 699 with glutamic acid.
Molecular consequence: missense variant. On other transcripts: non-coding transcript variant (3).
Genome position (GRCh38, 1-based): chr3:50,368,186, T>C on the plus strand (A>G on the coding strand, the complement: CACNA2D2 is on the minus strand). VCF-style: chr3-50368186-T-C. GRCh37 (hg19) VCF-style: chr3-50405617-T-C.
Other names: c.2095A>G, p.Lys699Glu (NM_001005505.3); c.2116A>G, p.Lys706Glu (NM_001174051.3); c.1888A>G, p.Lys630Glu (NM_001291101.1); short protein forms K630E, K699E, K706E.
Identifiers: ClinVar variation 948608 (VCV000948608.5), dbSNP rs765505578, ClinGen allele CA2418596.